The following is an entry in ClinVar:

NM_024675.4(PALB2):c.39G>C (p.Glu13Asp)

Gene: PALB2 (partner and localizer of BRCA2; minus strand). Cytogenetic location: 16p12.2.
Variant type: single nucleotide variant.
Coding change: c.39G>C on transcript NM_024675.4 (MANE Select); coding-DNA position 39, G replaced by C.
Protein change: p.Glu13Asp; replaces glutamic acid 13 with aspartic acid.
Molecular consequence: missense variant.
Genome position (GRCh38, 1-based): chr16:23,641,119, C>G on the plus strand (G>C on the coding strand, the complement: PALB2 is on the minus strand). VCF-style: chr16-23641119-C-G. GRCh37 (hg19) VCF-style: chr16-23652440-C-G.
Other names: short protein forms E13D.
Identifiers: ClinVar variation 1059709 (VCV001059709.10), dbSNP rs876660538, ClinGen allele CA395141047.

ClinVar aggregate classification (germline): Uncertain significance (1 of 4 stars; one submission).

Conditions:
Familial cancer of breast. Also called: Hereditary breast cancer; BREAST CANCER, FAMILIAL; hereditary breast carcinoma. Identifiers: Orphanet 227535, MedGen C0346153, MONDO:0016419, OMIM 114480. Disease mechanism: loss of function.

Allele frequency attached by ClinVar (database versions not stated): gnomAD 0.00001; TOPMed 0.00001.
gnomAD v4.1: 1 of 1,613,484 alleles (0.000062%); highest among the groups gnomAD compares: Non-Finnish European, 0.000085%; no homozygotes.

Submission:

Labcorp Genetics (formerly Invitae), Labcorp
Classification: Uncertain significance for Familial cancer of breast. Last evaluated: 2020-03-06. Review status: criteria provided, single submitter. Criteria: Invitae Variant Classification Sherloc (09022015). Collection method: clinical testing. Allele origin: germline.
Comment: In summary, the available evidence is currently insufficient to determine the role of this variant in disease. Therefore, it has been classified as a Variant of Uncertain Significance. Algorithms developed to predict the effect of missense changes on protein structure and function are either unavailable or do not agree on the potential impact of this missense change (SIFT: "Tolerated"; PolyPhen-2: "Probably Damaging"; Align-GVGD: "Class C0"). This variant has not been reported in the literature in individuals with PALB2-related conditions. This variant is not present in population databases (ExAC no frequency). This sequence change replaces glutamic acid with aspartic acid at codon 13 of the PALB2 protein (p.Glu13Asp). The glutamic acid residue is moderately conserved and there is a small physicochemical difference between glutamic acid and aspartic acid.